The following is an entry in ClinVar:

NM_020971.3(SPTBN4):c.1156C>T (p.Arg386Cys)

Gene: SPTBN4 (spectrin beta, non-erythrocytic 4; plus strand). Cytogenetic location: 19q13.2.
Variant type: single nucleotide variant.
Coding change: c.1156C>T on transcript NM_020971.3 (MANE Select); coding-DNA position 1156, C replaced by T.
Protein change: p.Arg386Cys; replaces arginine 386 with cysteine.
Molecular consequence: missense variant.
Genome position (GRCh38, 1-based): chr19:40,502,460, C>T. VCF-style: chr19-40502460-C-T. GRCh37 (hg19) VCF-style: chr19-41008367-C-T.
Other names: short protein forms R386C.
Identifiers: ClinVar variation 2407221 (VCV002407221.6), dbSNP rs370786781, ClinGen allele CA9445542.

ClinVar aggregate classification (germline): Conflicting classifications of pathogenicity. Review status: criteria provided, conflicting classifications (1 of 4 stars). 3 submissions from 3 submitters: Uncertain significance (2); Likely benign (1). Last evaluated 2026-03-26.

Conditions:
Inborn genetic diseases. Identifiers: MedGen C0950123, MeSH D030342.
Neurodevelopmental disorder with hypotonia, neuropathy, and deafness (NEDHND). Also called: SPTBN4 Disorder; Myopathy, congenital, with neuropathy and deafness. Identifiers: MedGen C4479603, MONDO:0060496, OMIM 617519.

Allele frequency attached by ClinVar (database versions not stated): gnomAD exomes 0.00001; ExAC 0.00002; TOPMed 0.00006; gnomAD 0.00007.

Submissions (3):

GeneDx
Classification: Uncertain significance. Last evaluated: 2026-03-26. Review status: criteria provided, single submitter. Criteria: GeneDx Variant Classification Process June 2021. Collection method: clinical testing. Allele origin: germline.
Comment: Not observed at significant frequency in large population cohorts (gnomAD); In silico analysis supports that this missense variant has a deleterious effect on protein structure/function; Has not been previously published as pathogenic or benign to our knowledge

3billion
Classification: Likely benign for Neurodevelopmental disorder with hypotonia, neuropathy, and deafness. Last evaluated: 2024-09-20. Review status: criteria provided, single submitter. Criteria: ACMG Guidelines, 2015. Collection method: clinical testing. Allele origin: germline. Affected: no.
Comment: The homozygous variant was found in patients diagnosed with another variant in a different gene, with no symptoms related to the gene containing the homozygous variant.

Ambry Genetics
Classification: Uncertain significance for Inborn genetic diseases. Last evaluated: 2024-06-10. Review status: criteria provided, single submitter. Criteria: Ambry Variant Classification Scheme 2023. Collection method: clinical testing. Allele origin: germline.